The following is an entry in ClinVar:

ClinVar aggregate classification (germline): Uncertain significance. Review status: criteria provided, multiple submitters, no conflicts (2 of 4 stars). 5 submissions from 5 submitters: Uncertain significance (5). Last evaluated 2025-09-11.

Conditions:
Joubert syndrome 3 (JBTS3). Also called: AHI1-related Ciliopathy. Identifiers: Orphanet 220493, MedGen C1837713, MONDO:0012078, OMIM 608629.
Inborn genetic diseases. Identifiers: MedGen C0950123, MeSH D030342.
Joubert syndrome. Also called: JOUBERT-BOLTSHAUSER SYNDROME; Familial aplasia of the vermis. Identifiers: Orphanet 475, MedGen C5979921, MONDO:0018772.

Allele frequency attached by ClinVar (database versions not stated): ExAC 0.00001; gnomAD 0.00001; gnomAD exomes 0.00001; TOPMed 0.00002.

Submissions (5):

Ambry Genetics
Classification: Uncertain significance for Inborn genetic diseases. Last evaluated: 2025-09-11. Review status: criteria provided, single submitter. Criteria: Ambry Variant Classification Scheme 2023. Collection method: clinical testing. Allele origin: germline.

Fulgent Genetics
Classification: Uncertain significance for Joubert syndrome 3. Last evaluated: 2024-02-28. Review status: criteria provided, single submitter. Criteria: ACMG Guidelines, 2015. Collection method: clinical testing. Allele origin: germline.

Labcorp Genetics (formerly Invitae), Labcorp
Classification: Uncertain significance for Joubert syndrome. Last evaluated: 2022-08-08. Review status: criteria provided, single submitter. Criteria: Invitae Variant Classification Sherloc (09022015). Collection method: clinical testing. Allele origin: germline.
Comment: This sequence change replaces methionine, which is neutral and non-polar, with valine, which is neutral and non-polar, at codon 880 of the AHI1 protein (p.Met880Val). This variant is present in population databases (rs759069413, gnomAD 0.006%). This variant has not been reported in the literature in individuals affected with AHI1-related conditions. ClinVar contains an entry for this variant (Variation ID: 1313433). Advanced modeling of protein sequence and biophysical properties (such as structural, functional, and spatial information, amino acid conservation, physicochemical variation, residue mobility, and thermodynamic stability) performed at Invitae indicates that this missense variant is not expected to disrupt AHI1 protein function. In summary, the available evidence is currently insufficient to determine the role of this variant in disease. Therefore, it has been classified as a Variant of Uncertain Significance.

Blueprint Genetics
Classification: Uncertain significance. Last evaluated: 2022-01-21. Review status: criteria provided, single submitter. Criteria: ACMG Guidelines, 2015. Collection method: clinical testing. Allele origin: germline.

GeneDx
Classification: Uncertain significance. Last evaluated: 2020-12-03. Review status: criteria provided, single submitter. Criteria: GeneDx Variant Classification Process June 2021. Collection method: clinical testing. Allele origin: germline. Affected: yes.
Comment: Not observed at a significant frequency in large population cohorts (Lek et al., 2016); In silico analysis supports that this missense variant does not alter protein structure/function; Has not been previously published as pathogenic or benign to our knowledge

NM_001134831.2(AHI1):c.2638A>G (p.Met880Val)

Gene: AHI1 (Abelson helper integration site 1; minus strand). Cytogenetic location: 6q23.3.
Variant type: single nucleotide variant.
Coding change: c.2638A>G on transcript NM_001134831.2 (MANE Select); coding-DNA position 2638, A replaced by G.
Protein change: p.Met880Val; replaces methionine 880 with valine.
Molecular consequence: missense variant.
Genome position (GRCh38, 1-based): chr6:135,427,293, T>C on the plus strand (A>G on the coding strand, the complement: AHI1 is on the minus strand). VCF-style: chr6-135427293-T-C. GRCh37 (hg19) VCF-style: chr6-135748431-T-C.
Other names: c.2638A>G, p.Met880Val (NM_001134830.2, NM_001134832.2, NM_001350503.2 and 2 more transcripts); short protein forms M880V.
Identifiers: ClinVar variation 1313433 (VCV001313433.13), dbSNP rs759069413, ClinGen allele CA4012305.
Genomic context (GRCh38, chr6:135,427,293, plus strand): 5'-TTTCAAATGGATGATAAGAAATGTCTCGAATGGGTGACTTGAATGGCAAGTCAGAATACA[T>C]GGCTACTTGTTCTCCTAAATAAAAAGAGAGATTCAAAAATGTATATCAGAGCATATCTGT-3'
Protein context (NP_001128303.1, residues 870-890): WNPETGEQVA[Met880Val]YSDLPFKSPI